The following is an entry in ClinVar:

NM_182943.3(PLOD2):c.2121+26A>G

Gene: PLOD2 (procollagen-lysine,2-oxoglutarate 5-dioxygenase 2; minus strand). Cytogenetic location: 3q24.
Variant type: single nucleotide variant.
Coding change: c.2121+26A>G on transcript NM_182943.3 (MANE Select); 26 bases into the intron after coding-DNA position 2121, A replaced by G.
Molecular consequence: intron variant.
Genome position (GRCh38, 1-based): chr3:146,071,016, T>C on the plus strand (A>G on the coding strand, the complement: PLOD2 is on the minus strand). VCF-style: chr3-146071016-T-C. GRCh37 (hg19) VCF-style: chr3-145788803-T-C.
Other names: c.2058+26A>G (NM_000935.3).
Identifiers: ClinVar variation 674931 (VCV000674931.4), dbSNP rs2305274, ClinGen allele CA2654678.

ClinVar aggregate classification (germline): Benign. Review status: criteria provided, multiple submitters, no conflicts (2 of 4 stars). 3 submissions from 3 submitters: Benign (3). Last evaluated 2021-10-25.

Conditions:
Bruck syndrome 2 (BRKS2). Also called: OSTEOGENESIS IMPERFECTA WITH CONGENITAL JOINT CONTRACTURES. Identifiers: Orphanet 2771, MedGen C1836602, MONDO:0012217, OMIM 609220.

Allele frequency attached by ClinVar (database versions not stated): gnomAD exomes 0.49440 and 0.49876; 1000 Genomes Project 0.50000; 1000 Genomes Project 30x 0.50297; ESP Exome Variant Server 0.50608; ExAC 0.50648; gnomAD 0.50666 and 0.50798; TOPMed 0.50726.
gnomAD v4.1: 787,018 of 1,585,182 alleles (50%); highest among the groups gnomAD compares: Middle Eastern, 55%; 196,724 homozygotes.

Submissions (3):

Genome-Nilou Lab
Classification: Benign for Bruck syndrome 2. Last evaluated: 2021-10-25. Review status: criteria provided, single submitter. Criteria: ACMG Guidelines, 2015. Collection method: clinical testing. Allele origin: germline. Affected: no.

GeneDx
Classification: Benign. Last evaluated: 2018-06-14. Review status: criteria provided, single submitter. Criteria: GeneDx Variant Classification (06012015). Collection method: clinical testing. Allele origin: germline. Affected: yes.
Comment: This variant is considered likely benign or benign based on one or more of the following criteria: it is a conservative change, it occurs at a poorly conserved position in the protein, it is predicted to be benign by multiple in silico algorithms, and/or has population frequency not consistent with disease.

Breakthrough Genomics
Classification: Benign. Review status: criteria provided, single submitter. Criteria: ACMG Guidelines, 2015. Collection method: not provided. Allele origin: germline. Inheritance: Autosomal recessive inheritance. Affected: yes.